The following is an entry in ClinVar:

ClinVar aggregate classification (germline): Pathogenic (1 of 4 stars; one submission).

Allele frequency attached by ClinVar (database versions not stated): gnomAD exomes below 0.00001.

Submission:

Labcorp Genetics (formerly Invitae), Labcorp
Classification: Pathogenic. Last evaluated: 2023-10-08. Review status: criteria provided, single submitter. Criteria: Invitae Variant Classification Sherloc (09022015). Collection method: clinical testing. Allele origin: germline.
Comment: This sequence change creates a premature translational stop signal (p.Ala334Serfs*6) in the GPSM2 gene. It is expected to result in an absent or disrupted protein product. Loss-of-function variants in GPSM2 are known to be pathogenic (PMID: 22578326, 22987632). This variant is present in population databases (no rsID available, gnomAD 0.003%). This variant has not been reported in the literature in individuals affected with GPSM2-related conditions. For these reasons, this variant has been classified as Pathogenic.

Literature cited by the submitters: PubMed 22578326; PubMed 22987632.

NM_013296.5(GPSM2):c.998dup (p.Ala334fs)

Gene: GPSM2 (G protein signaling modulator 2; plus strand). Cytogenetic location: 1p13.3.
Variant type: Duplication.
Coding change: c.998dup on transcript NM_013296.5 (MANE Select); coding-DNA position 998, one base duplicated (C; older notation c.998dupC).
Protein change: p.Ala334fs; shifts the reading frame from alanine 334.
Molecular consequence: frameshift variant.
Genome position (GRCh38, 1-based): chr1:108,903,170, C duplicated. VCF-style (leftmost placement, unchanged base first): chr1-108903169-A-AC. GRCh37 (hg19) VCF-style: chr1-109445791-A-AC.
Other names: c.998dup, p.Ala334fs (NM_001321038.2, NM_001321039.3); short protein forms A334fs.
Identifiers: ClinVar variation 2778256 (VCV002778256.3), dbSNP rs1557865780, ClinGen allele CA525272721.